The following is an entry in ClinVar:

ClinVar aggregate classification (germline): Uncertain significance (1 of 4 stars; one submission).

Submission:

Labcorp Genetics (formerly Invitae), Labcorp
Classification: Uncertain significance. Last evaluated: 2024-04-15. Review status: criteria provided, single submitter. Criteria: Invitae Variant Classification Sherloc (09022015). Collection method: clinical testing. Allele origin: germline.
Comment: This sequence change replaces alanine, which is neutral and non-polar, with threonine, which is neutral and polar, at codon 463 of the CLCN7 protein (p.Ala463Thr). This variant is not present in population databases (gnomAD no frequency). This variant has not been reported in the literature in individuals affected with CLCN7-related conditions. Advanced modeling of protein sequence and biophysical properties (such as structural, functional, and spatial information, amino acid conservation, physicochemical variation, residue mobility, and thermodynamic stability) performed at Invitae indicates that this missense variant is expected to disrupt CLCN7 protein function with a positive predictive value of 95%. In summary, the available evidence is currently insufficient to determine the role of this variant in disease. Therefore, it has been classified as a Variant of Uncertain Significance.

NM_001287.6(CLCN7):c.1387G>A (p.Ala463Thr)

Gene: CLCN7 (chloride voltage-gated channel 7; minus strand). Cytogenetic location: 16p13.3.
Variant type: single nucleotide variant.
Coding change: c.1387G>A on transcript NM_001287.6 (MANE Select); coding-DNA position 1387, G replaced by A.
Protein change: p.Ala463Thr; replaces alanine 463 with threonine.
Molecular consequence: missense variant.
Genome position (GRCh38, 1-based): chr16:1,451,683, C>T on the plus strand (G>A on the coding strand, the complement: CLCN7 is on the minus strand). VCF-style: chr16-1451683-C-T. GRCh37 (hg19) VCF-style: chr16-1501684-C-T.
Other names: c.1315G>A, p.Ala439Thr (NM_001114331.3); short protein forms A463T, A439T.
Identifiers: ClinVar variation 3684715 (VCV003684715.2).